The following is an entry in ClinVar:

ClinVar aggregate classification (germline): Uncertain significance. Review status: criteria provided, multiple submitters, no conflicts (2 of 4 stars). 3 submissions from 3 submitters: Uncertain significance (3). Last evaluated 2026-08-23.

Conditions:
PCNT-related disorder. Also called: PCNT-related condition.
Inborn genetic diseases. Identifiers: MedGen C0950123, MeSH D030342.

Allele frequency attached by ClinVar (database versions not stated): gnomAD exomes below 0.00001 and 0.00001; 1000 Genomes Project 0.00060; TOPMed 0.00008; gnomAD 0.00009 and 0.00008; ExAC 0.00002; ESP Exome Variant Server 0.00009; 1000 Genomes Project 30x 0.00062.
gnomAD v4.1: 23 of 1,598,258 alleles (0.0014%); highest among the groups gnomAD compares: African/African-American, 0.024%; no homozygotes.

Submissions (3):

Ambry Genetics
Classification: Uncertain significance for Inborn genetic diseases. Last evaluated: 2026-08-23. Review status: criteria provided, single submitter. Criteria: Ambry Variant Classification Scheme 2023. Collection method: clinical testing. Allele origin: germline.
Comment: The c.6904G>A (p.V2302M) alteration is located in exon 30 (coding exon 30) of the PCNT gene. This alteration results from a G to A substitution at nucleotide position 6904, causing the valine (V) at amino acid position 2302 to be replaced by a methionine (M). Based on data from gnomAD, the A allele has an overall frequency of 0.002% (6/260918) total alleles studied. The highest observed frequency was 0.026% (6/22800) of African alleles. Based on insufficient or conflicting evidence, the clinical significance of this alteration remains unclear.

PreventionGenetics, part of Exact Sciences
Classification: Uncertain significance for PCNT-related condition. Last evaluated: 2026-07-08. Review status: criteria provided, single submitter. Criteria: ACMG Guidelines, 2015. Collection method: clinical testing. Allele origin: germline.
Comment: The PCNT c.6904G>A variant is predicted to result in the amino acid substitution p.Val2302Met. To our knowledge, this variant has not been reported in the literature. This variant is reported in 0.026% of alleles in individuals of African descent in gnomAD. At this time, the clinical significance of this variant is uncertain due to the absence of conclusive functional and genetic evidence.

Labcorp Genetics (formerly Invitae), Labcorp
Classification: Uncertain significance. Last evaluated: 2022-05-12. Review status: criteria provided, single submitter. Criteria: Invitae Variant Classification Sherloc (09022015). Collection method: clinical testing. Allele origin: germline.
Comment: This sequence change replaces valine, which is neutral and non-polar, with methionine, which is neutral and non-polar, at codon 2302 of the PCNT protein (p.Val2302Met). This variant is present in population databases (rs374601017, gnomAD 0.02%). This variant has not been reported in the literature in individuals affected with PCNT-related conditions. Algorithms developed to predict the effect of missense changes on protein structure and function output the following: SIFT: "Tolerated"; PolyPhen-2: "Possibly Damaging"; Align-GVGD: "Class C0". The methionine amino acid residue is found in multiple mammalian species, which suggests that this missense change does not adversely affect protein function. In summary, the available evidence is currently insufficient to determine the role of this variant in disease. Therefore, it has been classified as a Variant of Uncertain Significance.

NM_006031.6(PCNT):c.6904G>A (p.Val2302Met)

Gene: PCNT (pericentrin; plus strand). Cytogenetic location: 21q22.3.
Variant type: single nucleotide variant.
Coding change: c.6904G>A on transcript NM_006031.6 (MANE Select); coding-DNA position 6904, G replaced by A.
Protein change: p.Val2302Met; replaces valine 2302 with methionine.
Molecular consequence: missense variant.
Genome position (GRCh38, 1-based): chr21:46,416,822, G>A. VCF-style: chr21-46416822-G-A. GRCh37 (hg19) VCF-style: chr21-47836736-G-A.
Other names: c.6550G>A, p.Val2184Met (NM_001315529.2); c.6904G>A (NM_006031.5); short protein forms V2184M, V2302M.
Identifiers: ClinVar variation 1507886 (VCV001507886.6), dbSNP rs374601017, ClinGen allele CA10080438.
Genomic context (GRCh38, chr21:46,416,822, plus strand): 5'-GTGTCTGCAGCAGCGCTGGCACTGCAGTGGGCCGAGTCTCCGCCGGCTGACGACCACCAT[G>A]TGCAGAGGACGGCTGTGGTAGGTGCCTGCTCTGCTCCCAGGCCTGCTGTTCCCGTGGGAA-3'
Protein context (NP_006022.3, residues 2292-2312): AESPPADDHH[Val2302Met]QRTAVEKDVE